The following is an entry in ClinVar:

ClinVar aggregate classification (germline): Uncertain significance (1 of 4 stars; one submission).

Conditions:
Osteogenesis imperfecta type I (OI1). Also called: OI, TYPE I; OSTEOGENESIS IMPERFECTA TARDA; OSTEOGENESIS IMPERFECTA WITH BLUE SCLERAE; Osteogenesis imperfecta type 1; Lobstein's Disease; Lobstein disease. Identifiers: Orphanet 216796, Orphanet 666, MedGen C0023931, MONDO:0008146, OMIM 166200. Disease mechanism: loss of function.

Allele frequency attached by ClinVar (database versions not stated): ExAC 0.00001; gnomAD 0.00001; gnomAD exomes 0.00001; TOPMed 0.00001.

Submissions (2):

Labcorp Genetics (formerly Invitae), Labcorp
Classification: Uncertain significance for Osteogenesis imperfecta type I. Last evaluated: 2023-05-21. Review status: criteria provided, single submitter. Criteria: Invitae Variant Classification Sherloc (09022015). Collection method: clinical testing. Allele origin: germline.
Comment: Experimental studies and prediction algorithms are not available or were not evaluated, and the functional significance of this variant is currently unknown. This sequence change replaces asparagine, which is neutral and polar, with serine, which is neutral and polar, at codon 400 of the COL1A1 protein (p.Asn400Ser). This variant is present in population databases (rs764436097, gnomAD 0.003%). This variant has not been reported in the literature in individuals affected with COL1A1-related conditions. In summary, the available evidence is currently insufficient to determine the role of this variant in disease. Therefore, it has been classified as a Variant of Uncertain Significance.

Dr. Peter K. Rogan Lab, Western University
No classification provided (evidence only). Condition: Cervical cancer. Review status: no classification provided. Collection method: in vitro. Allele origin: not applicable. Functional consequence: retained intron. Not counted in ClinVar's aggregate classification.

NM_000088.4(COL1A1):c.1199A>G (p.Asn400Ser)

Gene: COL1A1 (collagen type I alpha 1 chain; minus strand). Cytogenetic location: 17q21.33.
Variant type: single nucleotide variant.
Coding change: c.1199A>G on transcript NM_000088.4 (MANE Select); coding-DNA position 1199, A replaced by G.
Protein change: p.Asn400Ser; replaces asparagine 400 with serine.
Molecular consequence: missense variant.
Genome position (GRCh38, 1-based): chr17:50,195,435, T>C on the plus strand (A>G on the coding strand, the complement: COL1A1 is on the minus strand). VCF-style: chr17-50195435-T-C. GRCh37 (hg19) VCF-style: chr17-48272796-T-C.
Other names: short protein forms N400S.
Identifiers: ClinVar variation 2850952 (VCV002850952.3), dbSNP rs764436097, ClinGen allele CA8645371.